The following is an entry in ClinVar:

NM_001355436.2(SPTB):c.1A>G (p.Met1Val)

Gene: SPTB (spectrin beta, erythrocytic; minus strand). Cytogenetic location: 14q23.3.
Variant type: single nucleotide variant.
Coding change: c.1A>G on transcript NM_001355436.2 (MANE Select); coding-DNA position 1, A replaced by G.
Protein change: p.Met1Val; changes the start codon (methionine 1).
Molecular consequence: missense variant, initiator codon variant.
Genome position (GRCh38, 1-based): chr14:64,823,094, T>C on the plus strand (A>G on the coding strand, the complement: SPTB is on the minus strand). VCF-style: chr14-64823094-T-C. GRCh37 (hg19) VCF-style: chr14-65289812-T-C.
Other names: spectrin Promissão; p.Met1?; c.1A>G (NM_001355436.1); c.1A>G, p.Met1Val (NM_001024858.4, NM_001355437.2); short protein forms M1V.
Identifiers: ClinVar variation 12841 (VCV000012841.19), dbSNP rs121918651, ClinGen allele CA210952.

ClinVar aggregate classification (germline): Pathogenic/Likely pathogenic. Review status: criteria provided, multiple submitters, no conflicts (2 of 4 stars). 6 submissions from 6 submitters: Pathogenic (3); Likely pathogenic (2). 1 of the submissions does not count toward it. Last evaluated 2026-01-24.

Conditions:
SPTB-related disorder. Also called: SPTB-Related Disorders; SPTB-related condition.
Hereditary spherocytosis type 2. Also called: SPHEROCYTOSIS, TYPE 2, AUTOSOMAL DOMINANT. Identifiers: Orphanet 822, MedGen C2674219, MONDO:0000913, OMIM 616649.

Submissions (6):

Labcorp Genetics (formerly Invitae), Labcorp
Classification: Pathogenic. Last evaluated: 2026-01-24. Review status: criteria provided, single submitter. Criteria: Invitae Variant Classification Sherloc (09022015). Collection method: clinical testing. Allele origin: germline.
Comment: This sequence change affects the initiator codon of the SPTB mRNA. This change may impact translation initiation or efficiency. The next in-frame methionine is located at codon 87. This variant is not present in population databases (gnomAD no frequency). Disruption of the initiator codon has been observed in individual(s) with hereditary spherocytosis (PMID: 9414314, 29572776, 31122244). ClinVar contains an entry for this variant (Variation ID: 12841). This variant disrupts a region of the SPTB protein in which other variant(s) (p.Arg52Trp) have been determined to be pathogenic (PMID: 34093240, 36035481, 37357001, 38434532; internal data). This suggests that this is a clinically significant region of the protein, and that variants that disrupt it are likely to be disease-causing. For these reasons, this variant has been classified as Pathogenic.

Mayo Clinic Laboratories, Mayo Clinic
Classification: Likely pathogenic. Last evaluated: 2023-01-19. Review status: criteria provided, single submitter. Criteria: ACMG Guidelines, 2015. Collection method: clinical testing. Allele origin: germline. Observed: 1 variant allele.
Comment: PP1, PP5, PM2, PS4_moderate, PVS1_moderate

Revvity Omics, Revvity
Classification: Likely pathogenic. Last evaluated: 2022-12-09. Review status: criteria provided, single submitter. Criteria: ACMG Guidelines, 2015. Collection method: clinical testing. Allele origin: germline.

Blueprint Genetics
Classification: Pathogenic for SPTB-related disorders. Last evaluated: 2022-04-15. Review status: criteria provided, single submitter. Criteria: ACMG Guidelines, 2015. Collection method: clinical testing. Allele origin: germline. Affected: yes. Observed: 1 variant allele.

ARUP Laboratories, Molecular Genetics and Genomics, ARUP Laboratories
Classification: Pathogenic. Last evaluated: 2018-09-05. Review status: criteria provided, single submitter. Criteria: ARUP Molecular Germline Variant Investigation Process. Collection method: clinical testing. Allele origin: germline.

OMIM
Classification: Pathogenic for SPHEROCYTOSIS, TYPE 2, AUTOSOMAL DOMINANT. Last evaluated: 1998-01-01. Review status: no assertion criteria provided. Collection method: literature only. Allele origin: germline. Not counted in ClinVar's aggregate classification.

Literature cited by the submitters: PubMed 9414314 (cited by Labcorp Genetics (formerly Invitae), Labcorp); PubMed 29572776 (cited by Labcorp Genetics (formerly Invitae), Labcorp); PubMed 31122244 (cited by Labcorp Genetics (formerly Invitae), Labcorp); PubMed 34093240 (cited by Labcorp Genetics (formerly Invitae), Labcorp); PubMed 36035481 (cited by Labcorp Genetics (formerly Invitae), Labcorp); PubMed 37357001 (cited by Labcorp Genetics (formerly Invitae), Labcorp); PubMed 38434532 (cited by Labcorp Genetics (formerly Invitae), Labcorp); Basseres, D. S., Vicentim, D. L., Costa, F. F., Saad, S. T. O., Hassoun, H. Beta-spectrin Promissao: a translation initiation codon mutation of the beta-spectrin gene (ATG-to-GTG) associated with hereditary spherocytosis and spectrin deficiency in a Brazilian family. (Letter) Blood 91: 368-369, 1998. (cited by OMIM).